The following is an entry in ClinVar:

ClinVar aggregate classification (germline): Pathogenic (1 of 4 stars; one submission).

Conditions:
Tay-Sachs disease (TSD). Also called: HEXA DEFICIENCY; HEXA Disorders; GM2 gangliosidosis, type 1; Hexosaminidase alpha-subunit deficiency (variant B); Sphingolipidosis, Tay-Sachs; Hexosaminidase A Deficiency. Identifiers: Orphanet 845, MedGen C0039373, MONDO:0010100, OMIM 272800.

gnomAD v4.1: 2 of 1,614,028 alleles (0.00012%); highest among the groups gnomAD compares: Non-Finnish European, 0.00017%; no homozygotes.

Submission:

Natera, Inc.
Classification: Pathogenic for Tay-Sachs disease. Last evaluated: 2025-08-22. Review status: criteria provided, single submitter. Criteria: Natera Variant Classification Schema (03/2026). Collection method: clinical testing. Allele origin: germline.
Comment: The c.1147-2A>G variant in HEXA is a canonical splice acceptor site variant predicted to affect pre-mRNA splicing, which may result in an abnormal transcript and altered protein product. This variant is expected to result in nonsense mediated decay, truncation, or a dysfunctional protein product. This variant is rare in the general population with a frequency below the threshold expected for the associated phenotype(s). Another variant at this same site results in an alteration predicted to cause a similar molecular effect has been observed in individual(s) with the associated phenotype. Given the available evidence, this variant is classified as Pathogenic.

NM_000520.6(HEXA):c.1147-2A>G

Gene: HEXA (hexosaminidase subunit alpha; minus strand). Cytogenetic location: 15q23.
Variant type: single nucleotide variant.
Coding change: c.1147-2A>G on transcript NM_000520.6 (MANE Select); the canonical splice acceptor site of the intron before coding-DNA position 1147, A replaced by G.
Molecular consequence: splice acceptor variant.
Genome position (GRCh38, 1-based): chr15:72,346,712, T>C on the plus strand (A>G on the coding strand, the complement: HEXA is on the minus strand). VCF-style: chr15-72346712-T-C. GRCh37 (hg19) VCF-style: chr15-72639053-T-C.
Other names: c.1180-2A>G (NM_001318825.2).
Identifiers: ClinVar variation 4818710 (VCV004818710.1).
Genomic context (GRCh38, chr15:72,346,712, plus strand): 5'-TTCATATAGTTCACTGGAATATCCTCTCGCCACACCTGTATGATTGTGTCTGGCTGAATC[T>C]GTTATAAAAGGTCAAATGGCAGTAAGGACACAAAGCTGAGGAGATTCCTGGGCCTTATTC-3'